The following is an entry in ClinVar:

NM_001572.5(IRF7):c.1462C>A (p.Leu488Ile)

Gene: IRF7 (interferon regulatory factor 7; minus strand). Cytogenetic location: 11p15.5.
Variant type: single nucleotide variant.
Coding change: c.1462C>A on transcript NM_001572.5 (MANE Select); coding-DNA position 1462, C replaced by A.
Protein change: p.Leu488Ile; replaces leucine 488 with isoleucine.
Molecular consequence: missense variant.
Genome position (GRCh38, 1-based): chr11:612,695, G>T on the plus strand (C>A on the coding strand, the complement: IRF7 is on the minus strand). VCF-style: chr11-612695-G-T. GRCh37 (hg19) VCF-style: chr11-612695-G-T.
Other names: c.1375C>A, p.Leu459Ile (NM_004029.4); c.1501C>A, p.Leu501Ile (NM_004031.4); short protein forms L459I, L501I, L488I.
Identifiers: ClinVar variation 3684185 (VCV003684185.2).

ClinVar aggregate classification (germline): Uncertain significance (1 of 4 stars; one submission).

Conditions:
Immunodeficiency 39 (IMD39). Identifiers: Orphanet 574918, MedGen C4225358, MONDO:0014597, OMIM 616345.

gnomAD v4.1: 3 of 1,613,226 alleles (0.00019%); highest among the groups gnomAD compares: South Asian, 0.0022%; no homozygotes.

Submission:

Labcorp Genetics (formerly Invitae), Labcorp
Classification: Uncertain significance for Immunodeficiency 39. Last evaluated: 2025-01-12. Review status: criteria provided, single submitter. Criteria: Invitae Variant Classification Sherloc (09022015). Collection method: clinical testing. Allele origin: germline.
Comment: This sequence change replaces leucine, which is neutral and non-polar, with isoleucine, which is neutral and non-polar, at codon 501 of the IRF7 protein (p.Leu501Ile). This variant is present in population databases (no rsID available, gnomAD 0.003%). This variant has not been reported in the literature in individuals affected with IRF7-related conditions. An algorithm developed to predict the effect of missense changes on protein structure and function (PolyPhen-2) suggests that this variant is likely to be disruptive. In summary, the available evidence is currently insufficient to determine the role of this variant in disease. Therefore, it has been classified as a Variant of Uncertain Significance.